The following is an entry in ClinVar:

NM_003242.6(TGFBR2):c.150del (p.Cys51fs)

Gene: TGFBR2 (transforming growth factor beta receptor 2; plus strand). Cytogenetic location: 3p24.1.
Variant type: Deletion.
Coding change: c.150del on transcript NM_003242.6 (MANE Select); coding-DNA position 150, one base deleted (G; older notation c.150delG).
Protein change: p.Cys51fs; shifts the reading frame from cysteine 51.
Molecular consequence: frameshift variant. On other transcripts: intron variant (2).
Genome position (GRCh38, 1-based): chr3:30,644,802, G deleted. VCF-style (leftmost placement, unchanged base first): chr3-30644801-TG-T. GRCh37 (hg19) VCF-style: chr3-30686293-TG-T.
Other names: c.225del, p.Cys76fs (NM_001024847.3, NM_001407126.1, NM_001407139.1); c.150del, p.Cys51fs (NM_001407127.1, NM_001407130.1); c.177del, p.Cys60fs (NM_001407128.1); c.45del, p.Cys16fs (NM_001407129.1, NM_001407132.1, NM_001407133.1 and 3 more transcripts); c.169+21529del (NM_001407137.1); c.95-26836del (NM_001407138.1); short protein forms C16fs, C51fs, C60fs, C76fs.
Identifiers: ClinVar variation 4756621 (VCV004756621.1).
Genomic context (GRCh38, chr3:30,644,801, plus strand): 5'-CCTCAGTTAATAACGACATGATAGTCACTGACAACAACGGTGCAGTCAAGTTTCCACAAC[TG>T]TGTAAATTTTGTGATGTGAGATTTTCCACCTGTGACAACCAGAAATCCTGCATGAGCAAC-3'

ClinVar aggregate classification (germline): Uncertain significance (1 of 4 stars; one submission).

Conditions:
Familial thoracic aortic aneurysm and aortic dissection (TAAD). Also called: Thoracic aortic aneurysms and dissections. Identifiers: Orphanet 91387, MedGen C4707243, MONDO:0019625.

Submission:

Color Diagnostics, LLC DBA Color Health
Classification: Uncertain significance for Familial thoracic aortic aneurysm and aortic dissection. Last evaluated: 2025-09-30. Review status: criteria provided, single submitter. Criteria: ACMG Guidelines, 2015. Collection method: clinical testing. Allele origin: germline.
Comment: This variant deletes 1 nucleotide in exon 2 of the TGFBR2 gene, creating a frameshift and premature translation stop signal. This variant is expected to result in an absent or non-functional protein product. To our knowledge, this variant has not been reported in individuals affected with TGFBR2-related disorders in the literature. This variant has not been identified in the general population by the Genome Aggregation Database (gnomAD). The role of loss-of-function TGFBR2 truncation variants in autosomal dominant cardiovascular disorders is not clearly understood. The available evidence is insufficient to determine the role of this variant in disease conclusively. Therefore, this variant is classified as a Variant of Uncertain Significance.